The following is an entry in ClinVar:

NM_025265.4(TSEN2):c.1311_1317delinsTTTA (p.Glu438_Cys439delinsLeu)

Gene: TSEN2 (tRNA splicing endonuclease subunit 2; plus strand). Cytogenetic location: 3p25.2.
Variant type: Indel.
Coding change: c.1311_1317delinsTTTA on transcript NM_025265.4 (MANE Select); coding-DNA positions 1311 to 1317, AGAATGT replaced by TTTA.
Protein change: p.Glu438_Cys439delinsLeu.
Molecular consequence: inframe indel. On other transcripts: non-coding transcript variant (1).
Genome position (GRCh38, 1-based): chr3:12,531,632-12,531,638, AGAATGT replaced by TTTA. VCF-style: chr3-12531632-AGAATGT-TTTA. GRCh37 (hg19) VCF-style: chr3-12573131-AGAATGT-TTTA.
Other names: c.1311_1317delinsTTTA, p.Glu438_Cys439delinsLeu (NM_001145392.2, NM_001321277.2, NM_001321278.2); c.1233_1239delinsTTTA, p.Glu412_Cys413delinsLeu (NM_001145393.3, NM_001321279.2); c.1134_1140delinsTTTA, p.Glu379_Cys380delinsLeu (NM_001145394.2); c.1311_1317delinsTTTA (NM_025265.3).
Identifiers: ClinVar variation 2503829 (VCV002503829.1), dbSNP rs2470058930, ClinGen allele CA2580614142.

ClinVar aggregate classification (germline): Uncertain significance (1 of 4 stars; one submission).

Submission:

Women's Health and Genetics/Laboratory Corporation of America, LabCorp
Classification: Uncertain significance. Last evaluated: 2023-04-17. Review status: criteria provided, single submitter. Criteria: LabCorp Variant Classification Summary - May 2015. Collection method: clinical testing. Allele origin: germline.
Comment: Variant summary: TSEN2 c.1311_1317delinsTTTA (p.Glu438_Cys439delinsLeu) results in an in-frame deletion-insertion that is predicted to delete 1 amino acid from the protein and also cause a change in 1 amino acid. The variant was absent in 251380 control chromosomes. The available data on variant occurrences in the general population are insufficient to allow any conclusion about variant significance. To our knowledge, no occurrence of c.1311_1317delinsTTTA in individuals affected with Pontocerebellar Hypoplasia, Type 2B and no experimental evidence demonstrating its impact on protein function have been reported. No submitters have provided clinical-significance assessments for this variant to ClinVar after 2014. Based on the evidence outlined above, the variant was classified as uncertain significance.